The following is an entry in ClinVar:

NM_000465.4(BARD1):c.554C>A (p.Pro185Gln)

Gene: BARD1 (BRCA1 associated RING domain 1; minus strand). Cytogenetic location: 2q35.
Variant type: single nucleotide variant.
Coding change: c.554C>A on transcript NM_000465.4 (MANE Select); coding-DNA position 554, C replaced by A.
Protein change: p.Pro185Gln; replaces proline 185 with glutamine.
Molecular consequence: missense variant. On other transcripts: non-coding transcript variant (2), intron variant (3).
Genome position (GRCh38, 1-based): chr2:214,781,320, G>T on the plus strand (C>A on the coding strand, the complement: BARD1 is on the minus strand). VCF-style: chr2-214781320-G-T. GRCh37 (hg19) VCF-style: chr2-215646044-G-T.
Other names: c.497C>A, p.Pro166Gln (NM_001282543.2); c.158+28092C>A (NM_001282548.2); c.215+15741C>A (NM_001282545.2); c.364+10977C>A (NM_001282549.2); short protein forms P166Q, P185Q.
Identifiers: ClinVar variation 2056172 (VCV002056172.4), dbSNP rs927697548, ClinGen allele CA350457399.
Genomic context (GRCh38, chr2:214,781,320, plus strand): 5'-TTTTTTCCAGATCTTGCAGAAGCCTTTTTAGCCCTCTCAGAAACATCTGCAGGAGGACTT[G>T]GGGAAACAAATTCATATGAGTCTTGCTGAGCACTTGCATCTTTTTTTATTGCAGGCTGGG-3'
Protein context (NP_000456.2, residues 175-195): AQQDSYEFVS[Pro185Gln]SPPADVSERA

ClinVar aggregate classification (germline): Uncertain significance (1 of 4 stars; one submission).

Conditions:
Familial cancer of breast. Also called: hereditary breast carcinoma; BREAST CANCER, FAMILIAL; Hereditary breast cancer. Identifiers: Orphanet 227535, MedGen C0346153, MONDO:0016419, OMIM 114480. Disease mechanism: loss of function.

Submission:

Labcorp Genetics (formerly Invitae), Labcorp
Classification: Uncertain significance for Familial cancer of breast. Last evaluated: 2022-08-09. Review status: criteria provided, single submitter. Criteria: Invitae Variant Classification Sherloc (09022015). Collection method: clinical testing. Allele origin: germline.
Comment: In summary, the available evidence is currently insufficient to determine the role of this variant in disease. Therefore, it has been classified as a Variant of Uncertain Significance. Algorithms developed to predict the effect of missense changes on protein structure and function (SIFT, PolyPhen-2, Align-GVGD) all suggest that this variant is likely to be tolerated. This variant has not been reported in the literature in individuals affected with BARD1-related conditions. This variant is not present in population databases (gnomAD no frequency). This sequence change replaces proline, which is neutral and non-polar, with glutamine, which is neutral and polar, at codon 185 of the BARD1 protein (p.Pro185Gln).